The following is an entry in ClinVar:

NM_000179.3(MSH6):c.3398C>T (p.Thr1133Ile)

Gene: MSH6 (mutS homolog 6; plus strand). Cytogenetic location: 2p16.3.
Variant type: single nucleotide variant.
Coding change: c.3398C>T on transcript NM_000179.3 (MANE Select); coding-DNA position 3398, C replaced by T.
Protein change: p.Thr1133Ile; replaces threonine 1133 with isoleucine.
Molecular consequence: missense variant.
Genome position (GRCh38, 1-based): chr2:47,803,645, C>T. VCF-style: chr2-47803645-C-T. GRCh37 (hg19) VCF-style: chr2-48030784-C-T.
Other names: p.T1133I:ACT>ATT; c.3008C>T, p.Thr1003Ile (NM_001281492.2); c.2492C>T, p.Thr831Ile (NM_001281493.2, NM_001281494.2); short protein forms T1133I, T1003I, T831I.
Identifiers: ClinVar variation 182646 (VCV000182646.2), dbSNP rs730881805, ClinGen allele CA012749.

ClinVar aggregate classification (germline): Uncertain significance (1 of 4 stars; one submission).

gnomAD v4.1: 1 of 1,614,184 alleles (0.000062%); highest among the groups gnomAD compares: Non-Finnish European, 0.000085%; no homozygotes.

Submission:

GeneDx
Classification: Uncertain significance. Last evaluated: 2015-09-19. Review status: criteria provided, single submitter. Criteria: GeneDx Variant Classification (06012015). Collection method: clinical testing. Allele origin: germline. Affected: yes.
Comment: This variant is denoted MSH6 c.3398C>T at the cDNA level, p.Thr1133Ile (T1133I) at the protein level, and results in the change of a Threonine to an Isoleucine (ACT>ATT). This variant has not, to our knowledge, been published in the literature as pathogenic or benign. MSH6 Thr1133Ile was not observed in approximately 6,500 individuals of European and African American ancestry in the NHLBI Exome Sequencing Project, indicating it is not a common benign variant in these populations. Since Threonine and Isoleucine differ in polarity, charge, size or other properties, this is considered a non-conservative amino acid substitution. MSH6 Thr1133Ile occurs at a position that is well conserved across species and is located in the ATP-binding motif (Kariola 2002). In silico analyses predict that this variant is probably damaging to protein structure and function. Based on currently available information, it is unclear whether MSH6 Thr1133Ile is pathogenic or benign. We consider it to be a variant of uncertain significance.